The following is an entry in ClinVar:

ClinVar aggregate classification (germline): Likely benign (1 of 4 stars; one submission).

gnomAD v4.1: 1 of 1,602,676 alleles (0.000062%); highest among the groups gnomAD compares: Non-Finnish European, 0.000085%; no homozygotes.

Submission:

CeGaT Center for Human Genetics Tuebingen
Classification: Likely benign. Last evaluated: 2025-07-01. Review status: criteria provided, single submitter. Criteria: CeGaT Center For Human Genetics Tuebingen Variant Classification Criteria Version 2. Collection method: clinical testing. Allele origin: germline. Affected: yes. Observed: 1 variant allele.
Comment: MIPEP: BP4, BP7

NM_005932.4(MIPEP):c.1635A>G (p.Arg545=)

Gene: MIPEP (mitochondrial intermediate peptidase; minus strand). Cytogenetic location: 13q12.12.
Variant type: single nucleotide variant.
Coding change: c.1635A>G on transcript NM_005932.4 (MANE Select); coding-DNA position 1635, A replaced by G.
Protein change: p.Arg545=; no amino-acid change (arginine 545 retained).
Molecular consequence: synonymous variant.
Genome position (GRCh38, 1-based): chr13:23,836,258, T>C on the plus strand (A>G on the coding strand, the complement: MIPEP is on the minus strand). VCF-style: chr13-23836258-T-C. GRCh37 (hg19) VCF-style: chr13-24410397-T-C.
Identifiers: ClinVar variation 4085511 (VCV004085511.8).